The following is an entry in ClinVar:

NM_000153.4(GALC):c.490C>A (p.Pro164Thr)

Gene: GALC (galactosylceramidase; minus strand). Cytogenetic location: 14q31.3.
Variant type: single nucleotide variant.
Coding change: c.490C>A on transcript NM_000153.4 (MANE Select); coding-DNA position 490, C replaced by A.
Protein change: p.Pro164Thr; replaces proline 164 with threonine.
Molecular consequence: missense variant. On other transcripts: 5 prime UTR variant (2), non-coding transcript variant (1).
Genome position (GRCh38, 1-based): chr14:87,984,486, G>T on the plus strand (C>A on the coding strand, the complement: GALC is on the minus strand). VCF-style: chr14-87984486-G-T. GRCh37 (hg19) VCF-style: chr14-88450830-G-T.
Other names: c.421C>A, p.Pro141Thr (NM_001201401.2); c.412C>A, p.Pro138Thr (NM_001201402.2); c.322C>A, p.Pro108Thr (NM_001424071.1, NM_001424072.1, NM_001424073.1); c.142C>A, p.Pro48Thr (NM_001424074.1, NM_001424075.1); c.-178C>A (NM_001424076.1, NM_001424077.1); short protein forms P108T, P138T, P141T, P164T, P48T.
Identifiers: ClinVar variation 4887323 (VCV004887323.1).

ClinVar aggregate classification (germline): Uncertain significance (1 of 4 stars; one submission).

Submission:

Women's Health and Genetics/Laboratory Corporation of America, LabCorp
Classification: Uncertain significance. Last evaluated: 2026-06-11. Review status: criteria provided, single submitter. Criteria: LabCorp Variant Classification Summary - May 2015. Collection method: clinical testing. Allele origin: germline.
Comment: Variant summary: GALC c.490C>A (p.Pro164Thr) results in a non-conservative amino acid change in the encoded protein sequence. Algorithms developed to predict the effect of missense changes on protein structure and function all suggest that this variant is likely to be disruptive. The variant was absent in 249468 control chromosomes. The available data on variant occurrences in the general population are insufficient to allow any conclusion about variant significance. c.490C>A has been observed in at least one individual affected with Krabbe disease (example: Beltran-Quintero_2019, Greco_2024). This data does not allow any conclusion about variant significance. To our knowledge, no experimental evidence demonstrating an impact on protein function has been reported. The following publications have been ascertained in the context of this evaluation (PMID: 30777126, 39499628). No submitters have cited clinical-significance assessments for this variant to ClinVar. Based on the evidence outlined above, the variant was classified as uncertain significance.

Literature cited by the submitters: PubMed 30777126; PubMed 39499628.